The following is an entry in ClinVar:

NM_014484.5(MOCS3):c.551C>T (p.Pro184Leu)

Gene: MOCS3 (molybdenum cofactor synthesis 3; plus strand). Cytogenetic location: 20q13.13.
Variant type: single nucleotide variant.
Coding change: c.551C>T on transcript NM_014484.5 (MANE Select); coding-DNA position 551, C replaced by T.
Protein change: p.Pro184Leu; replaces proline 184 with leucine.
Molecular consequence: missense variant.
Genome position (GRCh38, 1-based): chr20:50,959,393, C>T. VCF-style: chr20-50959393-C-T. GRCh37 (hg19) VCF-style: chr20-49575930-C-T.
Other names: c.551C>T (NM_014484.3); short protein forms P184L.
Identifiers: ClinVar variation 1443093 (VCV001443093.7), dbSNP rs761017966, ClinGen allele CA9909436.

ClinVar aggregate classification (germline): Uncertain significance. Review status: criteria provided, multiple submitters, no conflicts (2 of 4 stars). 2 submissions from 2 submitters: Uncertain significance (2). Last evaluated 2026-01-12.

Allele frequency attached by ClinVar (database versions not stated): gnomAD exomes 0.00002 and 0.00004; ExAC 0.00007.
gnomAD v4.1: 34 of 1,613,200 alleles (0.0021%); highest among the groups gnomAD compares: Middle Eastern, 0.016%; no homozygotes.

Submissions (2):

Labcorp Genetics (formerly Invitae), Labcorp
Classification: Uncertain significance. Last evaluated: 2026-01-12. Review status: criteria provided, single submitter. Criteria: Invitae Variant Classification Sherloc (09022015). Collection method: clinical testing. Allele origin: germline.
Comment: This sequence change replaces proline, which is neutral and non-polar, with leucine, which is neutral and non-polar, at codon 184 of the MOCS3 protein (p.Pro184Leu). This variant is present in population databases (rs761017966, gnomAD 0.008%). This variant has not been reported in the literature in individuals affected with MOCS3-related conditions. ClinVar contains an entry for this variant (Variation ID: 1443093). An algorithm developed to predict the effect of missense changes on protein structure and function (PolyPhen-2) suggests that this variant is likely to be disruptive. In summary, the available evidence is currently insufficient to determine the role of this variant in disease. Therefore, it has been classified as a Variant of Uncertain Significance.

Ambry Genetics
Classification: Uncertain significance. Last evaluated: 2022-10-05. Review status: criteria provided, single submitter. Criteria: Ambry Variant Classification Scheme 2023. Collection method: clinical testing. Allele origin: germline.